The following is an entry in ClinVar:

ClinVar aggregate classification (germline): Uncertain significance (1 of 4 stars; one submission).

gnomAD v4.1: 2 of 1,613,276 alleles (0.00012%); highest among the groups gnomAD compares: African/African-American, 0.0013%; no homozygotes.

Submission:

Labcorp Genetics (formerly Invitae), Labcorp
Classification: Uncertain significance. Last evaluated: 2025-02-04. Review status: criteria provided, single submitter. Criteria: Invitae Variant Classification Sherloc (09022015). Collection method: clinical testing. Allele origin: germline.
Comment: This sequence change replaces isoleucine, which is neutral and non-polar, with threonine, which is neutral and polar, at codon 91 of the PYCR1 protein (p.Ile91Thr). This variant is present in population databases (no rsID available, gnomAD 0.004%). This variant has not been reported in the literature in individuals affected with PYCR1-related conditions. Invitae Evidence Modeling of protein sequence and biophysical properties (such as structural, functional, and spatial information, amino acid conservation, physicochemical variation, residue mobility, and thermodynamic stability) indicates that this missense variant is not expected to disrupt PYCR1 protein function with a negative predictive value of 80%. In summary, the available evidence is currently insufficient to determine the role of this variant in disease. Therefore, it has been classified as a Variant of Uncertain Significance.

NM_006907.4(PYCR1):c.272T>C (p.Ile91Thr)

Gene: PYCR1 (pyrroline-5-carboxylate reductase 1; minus strand). Cytogenetic location: 17q25.3.
Variant type: single nucleotide variant.
Coding change: c.272T>C on transcript NM_006907.4 (MANE Select); coding-DNA position 272, T replaced by C.
Protein change: p.Ile91Thr; replaces isoleucine 91 with threonine.
Molecular consequence: missense variant.
Genome position (GRCh38, 1-based): chr17:81,935,383, A>G on the plus strand (T>C on the coding strand, the complement: PYCR1 is on the minus strand). VCF-style: chr17-81935383-A-G. GRCh37 (hg19) VCF-style: chr17-79893259-A-G.
Other names: c.272T>C, p.Ile91Thr (NM_001282279.2, NM_001282280.2, NM_001330523.2 and 1 more transcripts); c.353T>C, p.Ile118Thr (NM_001282281.2); short protein forms I91T, I118T.
Identifiers: ClinVar variation 3730405 (VCV003730405.2).